The following is an entry in ClinVar:

ClinVar aggregate classification (germline): Uncertain significance (1 of 4 stars; one submission).

Conditions:
Pyruvate dehydrogenase E1-beta deficiency (PDHBD). Identifiers: Orphanet 255138, Orphanet 765, MedGen C3279841, MONDO:0013580, OMIM 614111.

Allele frequency attached by ClinVar (database versions not stated): gnomAD exomes below 0.00001.

Submission:

Labcorp Genetics (formerly Invitae), Labcorp
Classification: Uncertain significance for Pyruvate dehydrogenase E1-beta deficiency. Last evaluated: 2022-01-18. Review status: criteria provided, single submitter. Criteria: Invitae Variant Classification Sherloc (09022015). Collection method: clinical testing. Allele origin: germline.
Comment: This sequence change replaces alanine, which is neutral and non-polar, with threonine, which is neutral and polar, at codon 2 of the PDHB protein (p.Ala2Thr). This variant is not present in population databases (gnomAD no frequency). This variant has not been reported in the literature in individuals affected with PDHB-related conditions. Algorithms developed to predict the effect of missense changes on protein structure and function (SIFT, PolyPhen-2, Align-GVGD) all suggest that this variant is likely to be tolerated. In summary, the available evidence is currently insufficient to determine the role of this variant in disease. Therefore, it has been classified as a Variant of Uncertain Significance.

NM_000925.4(PDHB):c.4G>A (p.Ala2Thr)

Genes: PDHB (pyruvate dehydrogenase E1 subunit beta; minus strand), LOC129936949 (ATAC-STARR-seq lymphoblastoid active region 20012; plus strand). Cytogenetic location: 3p14.3.
Variant type: single nucleotide variant.
Coding change: c.4G>A on transcript NM_000925.4 (MANE Select); coding-DNA position 4, G replaced by A.
Protein change: p.Ala2Thr; replaces alanine 2 with threonine.
Molecular consequence: missense variant. On other transcripts: non-coding transcript variant (1).
Genome position (GRCh38, 1-based): chr3:58,433,806, C>T on the plus strand (G>A on the coding strand, the complement: PDHB is on the minus strand). VCF-style: chr3-58433806-C-T. GRCh37 (hg19) VCF-style: chr3-58419533-C-T.
Other names: c.4G>A, p.Ala2Thr (NM_001173468.2, NM_001315536.2); short protein forms A2T.
Identifiers: ClinVar variation 2080682 (VCV002080682.1), dbSNP rs2471374589, ClinGen allele CA353365289.